The following is an entry in ClinVar:

NM_000393.5(COL5A2):c.500C>A (p.Pro167His)

Gene: COL5A2 (collagen type V alpha 2 chain; minus strand). Cytogenetic location: 2q32.2.
Variant type: single nucleotide variant.
Coding change: c.500C>A on transcript NM_000393.5 (MANE Select); coding-DNA position 500, C replaced by A.
Protein change: p.Pro167His; replaces proline 167 with histidine.
Molecular consequence: missense variant.
Genome position (GRCh38, 1-based): chr2:189,092,377, G>T on the plus strand (C>A on the coding strand, the complement: COL5A2 is on the minus strand). VCF-style: chr2-189092377-G-T. GRCh37 (hg19) VCF-style: chr2-189957103-G-T.
Other names: short protein forms P167H.
Identifiers: ClinVar variation 3002385 (VCV003002385.3), dbSNP rs2469376592, ClinGen allele CA349861580.

ClinVar aggregate classification (germline): Uncertain significance (1 of 4 stars; one submission).

Conditions:
Ehlers-Danlos syndrome, classic type, 1 (EDSCL1). Also called: EDS I; EHLERS-DANLOS SYNDROME, GRAVIS TYPE; EHLERS-DANLOS SYNDROME, SEVERE CLASSIC TYPE; Ehlers-Danlos syndrome, type 1; Ehlers-Danlos Syndrome, Classic Type, COL5A1-Related. Identifiers: MedGen C0268335, MONDO:0019567, OMIM 130000.

Submission:

Labcorp Genetics (formerly Invitae), Labcorp
Classification: Uncertain significance for Ehlers-Danlos syndrome, classic type, 1. Last evaluated: 2023-02-18. Review status: criteria provided, single submitter. Criteria: Invitae Variant Classification Sherloc (09022015). Collection method: clinical testing. Allele origin: germline.
Comment: This sequence change replaces proline, which is neutral and non-polar, with histidine, which is basic and polar, at codon 167 of the COL5A2 protein (p.Pro167His). This variant is not present in population databases (gnomAD no frequency). In summary, the available evidence is currently insufficient to determine the role of this variant in disease. Therefore, it has been classified as a Variant of Uncertain Significance. Advanced modeling of protein sequence and biophysical properties (such as structural, functional, and spatial information, amino acid conservation, physicochemical variation, residue mobility, and thermodynamic stability) performed at Invitae indicates that this missense variant is not expected to disrupt COL5A2 protein function. This variant has not been reported in the literature in individuals affected with COL5A2-related conditions.